The following is an entry in ClinVar:

ClinVar aggregate classification (germline): Uncertain significance (1 of 4 stars; one submission).

Submission:

Labcorp Genetics (formerly Invitae), Labcorp
Classification: Uncertain significance. Last evaluated: 2024-02-23. Review status: criteria provided, single submitter. Criteria: Invitae Variant Classification Sherloc (09022015). Collection method: clinical testing. Allele origin: germline.
Comment: This sequence change replaces arginine, which is basic and polar, with serine, which is neutral and polar, at codon 663 of the ENPP1 protein (p.Arg663Ser). This variant is not present in population databases (gnomAD no frequency). This variant has not been reported in the literature in individuals affected with ENPP1-related conditions. Advanced modeling of protein sequence and biophysical properties (such as structural, functional, and spatial information, amino acid conservation, physicochemical variation, residue mobility, and thermodynamic stability) performed at Invitae indicates that this missense variant is not expected to disrupt ENPP1 protein function with a negative predictive value of 80%. In summary, the available evidence is currently insufficient to determine the role of this variant in disease. Therefore, it has been classified as a Variant of Uncertain Significance.

NM_006208.3(ENPP1):c.1989A>C (p.Arg663Ser)

Gene: ENPP1 (ectonucleotide pyrophosphatase/phosphodiesterase 1; plus strand). Cytogenetic location: 6q23.2.
Variant type: single nucleotide variant.
Coding change: c.1989A>C on transcript NM_006208.3 (MANE Select); coding-DNA position 1989, A replaced by C.
Protein change: p.Arg663Ser; replaces arginine 663 with serine.
Molecular consequence: missense variant.
Genome position (GRCh38, 1-based): chr6:131,879,923, A>C. VCF-style: chr6-131879923-A-C. GRCh37 (hg19) VCF-style: chr6-132201063-A-C.
Other names: short protein forms R663S.
Identifiers: ClinVar variation 3641328 (VCV003641328.2).